The following is an entry in ClinVar:

ClinVar aggregate classification (germline): Benign. Review status: criteria provided, multiple submitters, no conflicts (2 of 4 stars). 2 submissions from 2 submitters: Benign (2). Last evaluated 2018-01-12.

Conditions:
Multiple cutaneous and mucosal venous malformations (VMCM). Also called: TEK-Related Multiple Cutaneous and Mucosal Venous Malformations (VMCM). Identifiers: Orphanet 2451, MedGen C1838437, MONDO:0010842, OMIM 600195.

Allele frequency attached by ClinVar (database versions not stated): TOPMed 0.21260; gnomAD 0.20444 and 0.21120; 1000 Genomes Project 0.20168.

Submissions (2):

Illumina Laboratory Services, Illumina
Classification: Benign for Multiple cutaneous and mucosal venous malformations. Last evaluated: 2018-01-12. Review status: criteria provided, single submitter. Criteria: ICSL Variant Classification Criteria 13 December 2019. Collection method: clinical testing. Allele origin: germline.
Comment: This variant was observed in the ICSL laboratory as part of a predisposition screen in an ostensibly healthy population. It had not been previously curated by ICSL or reported in the Human Gene Mutation Database (HGMD: prior to June 1st, 2018), and was therefore a candidate for classification through an automated scoring system. Utilizing variant allele frequency, disease prevalence and penetrance estimates, and inheritance mode, an automated score was calculated to assess if this variant is too frequent to cause the disease. Based on the score and internal cut-off values, a variant classified as benign is not then subjected to further curation. The score for this variant resulted in a classification of benign for this disease.

Breakthrough Genomics
Classification: Benign. Review status: criteria provided, single submitter. Criteria: ACMG Guidelines, 2015. Collection method: not provided. Allele origin: germline. Inheritance: Autosomal dominant inheritance. Affected: yes.

NM_000459.5(TEK):c.*922G>A

Gene: TEK (TEK receptor tyrosine kinase; plus strand). Cytogenetic location: 9p21.2.
Variant type: single nucleotide variant.
Coding change: c.*922G>A on transcript NM_000459.5 (MANE Select); 922 bases downstream of the stop codon, G replaced by A.
Molecular consequence: 3 prime UTR variant.
Genome position (GRCh38, 1-based): chr9:27,230,154, G>A. VCF-style: chr9-27230154-G-A. GRCh37 (hg19) VCF-style: chr9-27230152-G-A.
Other names: c.*922G>A (NM_001290077.2, NM_001290078.2, NM_001375475.1 and 1 more transcripts).
Identifiers: ClinVar variation 366478 (VCV000366478.6), dbSNP rs9987817, ClinGen allele CA10633736.